The following is an entry in ClinVar:

ClinVar aggregate classification (germline): Pathogenic (1 of 4 stars; one submission).

Conditions:
Bloom syndrome (BLM). Also called: Bloom-Torre-Machacek syndrome. Identifiers: Orphanet 125, MedGen C0005859, MONDO:0008876, OMIM 210900.

Submission:

Labcorp Genetics (formerly Invitae), Labcorp
Classification: Pathogenic for Bloom syndrome. Last evaluated: 2023-06-28. Review status: criteria provided, single submitter. Criteria: Invitae Variant Classification Sherloc (09022015). Collection method: clinical testing. Allele origin: germline.
Comment: This sequence change creates a premature translational stop signal (p.Glu1193Lysfs*23) in the BLM gene. It is expected to result in an absent or disrupted protein product. Loss-of-function variants in BLM are known to be pathogenic (PMID: 17407155). This variant is present in population databases (no rsID available, gnomAD 0.0009%). This variant has not been reported in the literature in individuals affected with BLM-related conditions. Algorithms developed to predict the effect of sequence changes on RNA splicing suggest that this variant may disrupt the consensus splice site. For these reasons, this variant has been classified as Pathogenic.

Literature cited by the submitters: PubMed 17407155.

NM_000057.4(BLM):c.3577_3578del (p.Glu1193fs)

Gene: BLM (BLM RecQ like helicase; plus strand). Cytogenetic location: 15q26.1.
Variant type: Deletion.
Coding change: c.3577_3578del on transcript NM_000057.4 (MANE Select); coding-DNA positions 3577 to 3578, 2 bases deleted (GA; older notation c.3577_3578delGA).
Protein change: p.Glu1193fs; shifts the reading frame from glutamic acid 1193.
Molecular consequence: frameshift variant. On other transcripts: intron variant (1).
Genome position (GRCh38, 1-based): chr15:90,804,185-90,804,186, GA deleted; deleting any 2 consecutive bases within chr15:90,804,184-90,804,186 gives the same sequence; the c. name uses the placement nearest the transcript's 3' end. VCF-style (leftmost placement, unchanged base first): chr15-90804183-CAG-C. GRCh37 (hg19) VCF-style: chr15-91347413-CAG-C.
Other names: c.3577_3578del, p.Glu1193fs (NM_001287246.2); c.2452_2453del, p.Glu818fs (NM_001287248.2); c.3359-4952_3359-4951del (NM_001287247.2); short protein forms E1193fs, E818fs.
Identifiers: ClinVar variation 2732264 (VCV002732264.3), dbSNP rs1261315093, ClinGen allele CA619860817.